The following is an entry in ClinVar:

ClinVar aggregate classification (germline): Conflicting classifications of pathogenicity. Review status: criteria provided, conflicting classifications (1 of 4 stars). 2 submissions from 2 submitters: Pathogenic (1); Uncertain significance (1). Last evaluated 2025-08-21.

Conditions:
Hypertrophic cardiomyopathy. Also called: HYPERTROPHIC MYOCARDIOPATHY. Identifiers: Orphanet 217569, MedGen C0007194, MeSH D002312, MONDO:0005045, HP:0001639.

Submissions (2):

Labcorp Genetics (formerly Invitae), Labcorp
Classification: Pathogenic for Hypertrophic cardiomyopathy. Last evaluated: 2025-08-21. Review status: criteria provided, single submitter. Criteria: Invitae Variant Classification Sherloc (09022015). Collection method: clinical testing. Allele origin: germline.
Comment: This sequence change replaces aspartic acid, which is acidic and polar, with tyrosine, which is neutral and polar, at codon 282 of the MYH7 protein (p.Asp282Tyr). This variant is not present in population databases (gnomAD no frequency). This missense change has been observed in individual(s) with dilated cardiomyopathy and/or left ventricular noncompaction (PMID: 33500567, 34935411). In at least one individual the variant was observed to be de novo. ClinVar contains an entry for this variant (Variation ID: 43109). Invitae Evidence Modeling of protein sequence and biophysical properties (such as structural, functional, and spatial information, amino acid conservation, physicochemical variation, residue mobility, and thermodynamic stability) indicates that this missense variant is expected to disrupt MYH7 protein function with a positive predictive value of 95%. For these reasons, this variant has been classified as Pathogenic.

Laboratory for Molecular Medicine, Mass General Brigham Personalized Medicine
Classification: Uncertain significance. Last evaluated: 2014-01-20. Review status: criteria provided, single submitter. Criteria: LMM Criteria. Collection method: clinical testing. Allele origin: germline. Observed: 2 variant alleles.
Comment: proposed classification - variant undergoing re-assessment, contact laboratory

Literature cited by the submitters: PubMed 33500567 (cited by Labcorp Genetics (formerly Invitae), Labcorp); PubMed 34935411 (cited by Labcorp Genetics (formerly Invitae), Labcorp).

NM_000257.4(MYH7):c.844G>T (p.Asp282Tyr)

Gene: MYH7 (myosin heavy chain 7; minus strand). Cytogenetic location: 14q11.2.
Variant type: single nucleotide variant.
Coding change: c.844G>T on transcript NM_000257.4 (MANE Select); coding-DNA position 844, G replaced by T.
Protein change: p.Asp282Tyr; replaces aspartic acid 282 with tyrosine.
Molecular consequence: missense variant.
Genome position (GRCh38, 1-based): chr14:23,430,952, C>A on the plus strand (G>T on the coding strand, the complement: MYH7 is on the minus strand). VCF-style: chr14-23430952-C-A. GRCh37 (hg19) VCF-style: chr14-23900161-C-A.
Other names: short protein forms D282Y.
Identifiers: ClinVar variation 43109 (VCV000043109.12), dbSNP rs397516271, ClinGen allele CA016885.